The following is an entry in ClinVar:

ClinVar aggregate classification (germline): Uncertain significance. Review status: criteria provided, multiple submitters, no conflicts (2 of 4 stars). 6 submissions from 6 submitters: Uncertain significance (5). 1 of the submissions does not count toward it. Last evaluated 2025-10-02.

Conditions:
Nemaline myopathy. Also called: Myopathies, Nemaline. Identifiers: Orphanet 607, MedGen C0206157, MONDO:0018958.
Nemaline myopathy 2 (NEM2). Also called: Nemaline myopathy 2, autosomal recessive. Identifiers: MedGen C1850569, MONDO:0009725, OMIM 256030.

Allele frequency attached by ClinVar (database versions not stated): gnomAD 0.00001; ExAC 0.00002; gnomAD exomes 0.00002 and 0.00003; TOPMed 0.00002; 1000 Genomes Project 30x 0.00016.
gnomAD v4.1: 45 of 1,598,212 alleles (0.0028%); highest among the groups gnomAD compares: Non-Finnish European, 0.0038%; no homozygotes.

Submissions (6):

Labcorp Genetics (formerly Invitae), Labcorp
Classification: Uncertain significance for Nemaline myopathy 2. Last evaluated: 2025-10-02. Review status: criteria provided, single submitter. Criteria: Invitae Variant Classification Sherloc (09022015). Collection method: clinical testing. Allele origin: germline.
Comment: This sequence change replaces arginine, which is basic and polar, with tryptophan, which is neutral and slightly polar, at codon 6442 of the NEB protein (p.Arg6442Trp). This variant is present in population databases (rs746394316, gnomAD 0.004%). This variant has not been reported in the literature in individuals affected with NEB-related conditions. ClinVar contains an entry for this variant (Variation ID: 657971). Experimental studies and prediction algorithms are not available or were not evaluated, and the functional significance of this variant is currently unknown. In summary, the available evidence is currently insufficient to determine the role of this variant in disease. Therefore, it has been classified as a Variant of Uncertain Significance.

Broad Center for Mendelian Genomics, Broad Institute of MIT and Harvard
Classification: Uncertain significance for Nemaline myopathy. Last evaluated: 2025-03-07. Review status: criteria provided, single submitter. Criteria: ACMG Guidelines, 2015. Collection method: curation. Allele origin: germline. Inheritance: Autosomal recessive inheritance.
Comment: The p.Arg6442Trp variant in NEB has been identified in one individual with arthrogryposis multiplex congenita (PMID: 33820833), and has been identified in 0.004% (44/1165750) of European (non-Finnish) chromosomes by the Genome Aggregation Database (gnomAD; dbSNP ID: rs746394316). Although this variant has been seen in the general population in a heterozygous state, its frequency is low enough to be consistent with a recessive carrier frequency. This variant has also been reported in ClinVar (Variation ID: 657971) and has been interpreted as a variant of uncertain significance by Natera Inc., PerkinElmer Genomics, and Invitae. Computational prediction tools and conservation analyses do not provide strong support for or against an impact to the protein. In summary, the clinical significance of the p.Arg6442Trp variant is uncertain. ACMG/AMP Criteria applied: PM2_supporting (Richards 2015).

CeGaT Center for Human Genetics Tuebingen
Classification: Uncertain significance. Last evaluated: 2022-09-01. Review status: criteria provided, single submitter. Criteria: CeGaT Center For Human Genetics Tuebingen Variant Classification Criteria Version 2. Collection method: clinical testing. Allele origin: germline. Affected: yes. Observed: 1 variant allele.

Blueprint Genetics
Classification: Uncertain significance. Last evaluated: 2022-08-29. Review status: criteria provided, single submitter. Criteria: ACMG Guidelines, 2015. Collection method: clinical testing. Allele origin: germline.

Revvity Omics, Revvity
Classification: Uncertain significance. Last evaluated: 2020-02-19. Review status: criteria provided, single submitter. Criteria: ACMG Guidelines, 2015. Collection method: clinical testing. Allele origin: germline.

Natera, Inc.
Classification: Uncertain significance for Nemaline myopathy type 2. Last evaluated: 2021-06-14. Review status: no assertion criteria provided. Collection method: clinical testing. Allele origin: germline. Not counted in ClinVar's aggregate classification.

NM_001164508.2(NEB):c.19324C>T (p.Arg6442Trp)

Gene: NEB (nebulin; minus strand). Cytogenetic location: 2q23.3.
Variant type: single nucleotide variant.
Coding change: c.19324C>T on transcript NM_001164508.2 (MANE Select); coding-DNA position 19324, C replaced by T.
Protein change: p.Arg6442Trp; replaces arginine 6442 with tryptophan.
Molecular consequence: missense variant.
Genome position (GRCh38, 1-based): chr2:151,555,035, G>A on the plus strand (C>T on the coding strand, the complement: NEB is on the minus strand). VCF-style: chr2-151555035-G-A. GRCh37 (hg19) VCF-style: chr2-152411549-G-A.
Other names: NM_001164508.2(NEB):c.19324C>T; p.Arg6442Trp; c.19324C>T, p.Arg6442Trp (NM_001164507.2, NM_001271208.2); c.14221C>T, p.Arg4741Trp (NM_004543.5); short protein forms R4741W, R6442W.
Identifiers: ClinVar variation 657971 (VCV000657971.37), dbSNP rs746394316, ClinGen allele CA1907679.